The following is an entry in ClinVar:

ClinVar aggregate classification (germline): Pathogenic (1 of 4 stars; one submission).

Submission:

GeneDx
Classification: Pathogenic. Last evaluated: 2017-02-03. Review status: criteria provided, single submitter. Criteria: GeneDx Variant Classification (06012015). Collection method: clinical testing. Allele origin: germline. Affected: yes.
Comment: The c.4562delA pathogenic variant in the SCN1A gene causes a frameshift starting with codon Lysine 1521, changes this amino acid to a Serine residue and creates a premature Stop codon at position 18 of the new reading frame, denoted p.K1521SfsX18. This pathogenic variant is predicted to cause loss of normal protein function either through protein truncation or nonsense-mediated mRNA decay. The c.4562delA variant is not observed in large population cohorts (Lek et al., 2016; 1000 Genomes Consortium et al., 2015; Exome Variant Server).

NM_001165963.4(SCN1A):c.4562del (p.Lys1521fs)

Genes: SCN1A (sodium voltage-gated channel alpha subunit 1; minus strand), LOC102724058 (uncharacterized LOC102724058; plus strand). Cytogenetic location: 2q24.3.
Variant type: Deletion.
Coding change: c.4562del on transcript NM_001165963.4 (MANE Select); coding-DNA position 4562, one base deleted (A; older notation c.4562delA).
Protein change: p.Lys1521fs; shifts the reading frame from lysine 1521.
Molecular consequence: frameshift variant. On other transcripts: non-coding transcript variant (1).
Genome position (GRCh38, 1-based): chr2:165,996,032, T deleted on the plus strand (A on the coding strand, the reverse complement: SCN1A is on the minus strand); the first of 4 consecutive T bases (chr2:165,996,032-165,996,035); deleting any one gives the same sequence. VCF-style (leftmost placement, unchanged base first): chr2-165996031-CT-C. GRCh37 (hg19) VCF-style: chr2-166852541-CT-C.
Other names: c.4478del, p.Lys1493fs (NM_001165964.3, NM_001353957.2, NM_001353958.2); c.4562del, p.Lys1521fs (NM_001202435.3, NM_001353948.2); c.4529del, p.Lys1510fs (NM_001353949.2, NM_001353950.2, NM_001353951.2 and 2 more transcripts); c.4526del, p.Lys1509fs (NM_001353954.2, NM_001353955.2); c.4475del, p.Lys1492fs (NM_001353960.2); c.2120del, p.Lys707fs (NM_001353961.2); short protein forms K1509fs, K1510fs, K1492fs, K1521fs, K1493fs, K707fs.
Identifiers: ClinVar variation 423283 (VCV000423283.2), dbSNP rs1064796343, ClinGen allele CA16617287.
Genomic context (GRCh38, chr2:165,996,031, plus strand): 5'-TTGTTTTTGTATTTTTCCCCCATATCATTTGATACTTCTTACTCCTGGTCGAGGTATAGG[CT>C]TTTGCGGTTTTTTCGATCCTAATTTTTTCATTGCATTATAGTATTTCTTCTGTTCTTCTG-3'